The following is an entry in ClinVar:

ClinVar aggregate classification (germline): Uncertain significance. Review status: criteria provided, multiple submitters, no conflicts (2 of 4 stars). 2 submissions from 2 submitters: Uncertain significance (2). Last evaluated 2021-06-18.

Conditions:
Familial cold autoinflammatory syndrome 2 (FCAS2). Identifiers: Orphanet 247868, MedGen C2673198, MONDO:0012724, OMIM 611762.

Allele frequency attached by ClinVar (database versions not stated): gnomAD exomes below 0.00001.
gnomAD v4.1: 1 of 1,613,196 alleles (0.000062%); highest among the groups gnomAD compares: Non-Finnish European, 0.000085%; no homozygotes.

Submissions (2):

Labcorp Genetics (formerly Invitae), Labcorp
Classification: Uncertain significance for Familial cold autoinflammatory syndrome 2. Last evaluated: 2021-06-18. Review status: criteria provided, single submitter. Criteria: Invitae Variant Classification Sherloc (09022015). Collection method: clinical testing. Allele origin: germline.
Comment: This sequence change replaces threonine with proline at codon 212 of the NLRP12 protein (p.Thr212Pro). The threonine residue is highly conserved and there is a small physicochemical difference between threonine and proline. This variant is not present in population databases (ExAC no frequency). This variant has not been reported in the literature in individuals with NLRP12-related conditions. ClinVar contains an entry for this variant (Variation ID: 894590). Algorithms developed to predict the effect of missense changes on protein structure and function are either unavailable or do not agree on the potential impact of this missense change (SIFT: "Deleterious"; PolyPhen-2: "Probably Damaging"; Align-GVGD: "Class C0"). In summary, the available evidence is currently insufficient to determine the role of this variant in disease. Therefore, it has been classified as a Variant of Uncertain Significance.

Illumina Laboratory Services, Illumina
Classification: Uncertain significance for Familial cold autoinflammatory syndrome 2. Last evaluated: 2018-01-12. Review status: criteria provided, single submitter. Criteria: ICSL Variant Classification Criteria 13 December 2019. Collection method: clinical testing. Allele origin: germline.

NM_144687.4(NLRP12):c.634A>C (p.Thr212Pro)

Gene: NLRP12 (NLR family pyrin domain containing 12; minus strand). Cytogenetic location: 19q13.42.
Variant type: single nucleotide variant.
Coding change: c.634A>C on transcript NM_144687.4 (MANE Select); coding-DNA position 634, A replaced by C.
Protein change: p.Thr212Pro; replaces threonine 212 with proline.
Molecular consequence: missense variant.
Genome position (GRCh38, 1-based): chr19:53,811,025, T>G on the plus strand (A>C on the coding strand, the complement: NLRP12 is on the minus strand). VCF-style: chr19-53811025-T-G. GRCh37 (hg19) VCF-style: chr19-54314279-T-G.
Other names: c.634A>C, p.Thr212Pro (NM_001277126.2, NM_001277129.1); short protein forms T212P.
Identifiers: ClinVar variation 894590 (VCV000894590.11), dbSNP rs1162807112, ClinGen allele CA407416221.
Genomic context (GRCh38, chr19:53,811,025, plus strand): 5'-GCATCACCTTGTGTGCCAGCATGGACTTGCCTATCCCTGCCGCGCCTTGCATGACCACGG[T>G]GCGCGGTGGCTCGGGGCGCTCCTCGTCTGGCTCAAAGAGGGTCTCTATCTTGATGGGGCT-3'
Protein context (NP_653288.1, residues 202-222): PDEERPEPPR[Thr212Pro]VVMQGAAGIG